The following is an entry in ClinVar:

NM_032608.7(MYO18B):c.6052_6053delinsGA (p.Arg2018Glu)

Gene: MYO18B (myosin XVIIIB; plus strand). Cytogenetic location: 22q12.1.
Variant type: Indel.
Coding change: c.6052_6053delinsGA on transcript NM_032608.7 (MANE Select); coding-DNA positions 6052 to 6053, CG replaced by GA.
Protein change: p.Arg2018Glu; replaces arginine 2018 with glutamic acid.
Molecular consequence: missense variant.
Genome position (GRCh38, 1-based): chr22:25,955,260-25,955,261, CG replaced by GA. VCF-style: chr22-25955260-CG-GA. GRCh37 (hg19) VCF-style: chr22-26351226-CG-GA.
Other names: c.6055_6056delinsGA, p.Arg2019Glu (NM_001318245.2); short protein forms R2019E, R2018E.
Identifiers: ClinVar variation 1514687 (VCV001514687.4), dbSNP rs2146647565, ClinGen allele CA2573157904.

ClinVar aggregate classification (germline): Uncertain significance (1 of 4 stars; one submission).

Submission:

Labcorp Genetics (formerly Invitae), Labcorp
Classification: Uncertain significance. Last evaluated: 2024-10-27. Review status: criteria provided, single submitter. Criteria: Invitae Variant Classification Sherloc (09022015). Collection method: clinical testing. Allele origin: germline.
Comment: This sequence change replaces arginine, which is basic and polar, with glutamic acid, which is acidic and polar, at codon 2018 of the MYO18B protein (p.Arg2018Glu). This variant is present in population databases (no rsID available, gnomAD 0.004%). This variant has not been reported in the literature in individuals affected with MYO18B-related conditions. ClinVar contains an entry for this variant (Variation ID: 1514687). An algorithm developed to predict the effect of missense changes on protein structure and function (PolyPhen-2) suggests that this variant is likely to be disruptive. In summary, the available evidence is currently insufficient to determine the role of this variant in disease. Therefore, it has been classified as a Variant of Uncertain Significance.